The following is an entry in ClinVar:

ClinVar aggregate classification (germline): Uncertain significance (0 of 4 stars; one submission).

Conditions:
PLXNA3-related disorder. Also called: PLXNA3-related condition.

gnomAD v4.1: 8 of 1,209,236 alleles (0.00066%); highest among the groups gnomAD compares: Admixed American, 0.0087%; no homozygotes.

Submission:

PreventionGenetics, part of Exact Sciences
Classification: Uncertain significance for PLXNA3-related condition. Last evaluated: 2023-11-30. Review status: no assertion criteria provided. Collection method: clinical testing. Allele origin: germline.
Comment: The PLXNA3 c.170C>A variant is predicted to result in the amino acid substitution p.Ala57Asp. To our knowledge, this variant has not been reported in the literature. This variant is reported in 0.011% of alleles in individuals of Latino descent in gnomAD. At this time, the clinical significance of this variant is uncertain due to the absence of conclusive functional and genetic evidence.

NM_017514.5(PLXNA3):c.170C>A (p.Ala57Asp)

Gene: PLXNA3 (plexin A3; plus strand). Cytogenetic location: Xq28.
Variant type: single nucleotide variant.
Coding change: c.170C>A on transcript NM_017514.5 (MANE Select); coding-DNA position 170, C replaced by A.
Protein change: p.Ala57Asp; replaces alanine 57 with aspartic acid.
Molecular consequence: missense variant.
Genome position (GRCh38, 1-based): chrX:154,460,353, C>A. VCF-style: chrX-154460353-C-A. GRCh37 (hg19) VCF-style: chrX-153688693-C-A.
Other names: short protein forms A57D.
Identifiers: ClinVar variation 3348372 (VCV003348372.1).